The following is an entry in ClinVar:

ClinVar aggregate classification (germline): Benign. Review status: criteria provided, multiple submitters, no conflicts (2 of 4 stars). 5 submissions from 5 submitters: Benign (5). Last evaluated 2026-02-03.

Conditions:
Cobblestone lissencephaly without muscular or ocular involvement. Also called: Lissencephaly 5; LEUKOENCEPHALOPATHY WITH VARIABLE CORTICAL BRAIN MALFORMATIONS AND/OR HYDROCEPHALUS. Identifiers: Orphanet 352682, MedGen C3554657, MONDO:0014077, OMIM 615191.

Allele frequency attached by ClinVar (database versions not stated): 1000 Genomes Project 0.45268; ExAC 0.47548; gnomAD exomes 0.53994 and 0.56414; gnomAD 0.64655 and 0.64814; 1000 Genomes Project 30x 0.69628.
gnomAD v4.1: 798,955 of 1,448,386 alleles (55%); highest among the groups gnomAD compares: East Asian, 80%; 209,408 homozygotes.

Submissions (5):

Labcorp Genetics (formerly Invitae), Labcorp
Classification: Benign. Last evaluated: 2026-02-03. Review status: criteria provided, single submitter. Criteria: Invitae Variant Classification Sherloc (09022015). Collection method: clinical testing. Allele origin: germline.

Blueprint Genetics
Classification: Benign. Last evaluated: 2024-11-27. Review status: criteria provided, single submitter. Criteria: ACMG Guidelines, 2015. Collection method: clinical testing. Allele origin: germline.

Genome-Nilou Lab
Classification: Benign for Cobblestone lissencephaly without muscular or ocular involvement. Last evaluated: 2021-08-19. Review status: criteria provided, single submitter. Criteria: ACMG Guidelines, 2015. Collection method: clinical testing. Allele origin: germline. Affected: no.

GeneDx
Classification: Benign. Last evaluated: 2016-01-08. Review status: criteria provided, single submitter. Criteria: GeneDx Variant Classification (06012015). Collection method: clinical testing. Allele origin: germline. Affected: yes.
Comment: This variant is considered likely benign or benign based on one or more of the following criteria: it is a conservative change, it occurs at a poorly conserved position in the protein, it is predicted to be benign by multiple in silico algorithms, and/or has population frequency not consistent with disease.

Breakthrough Genomics
Classification: Benign. Review status: criteria provided, single submitter. Criteria: ACMG Guidelines, 2015. Collection method: not provided. Allele origin: germline. Inheritance: Autosomal recessive inheritance. Affected: yes.

NM_002291.3(LAMB1):c.5225-7C>T

Gene: LAMB1 (laminin subunit beta 1; minus strand). Cytogenetic location: 7q31.1.
Variant type: single nucleotide variant.
Coding change: c.5225-7C>T on transcript NM_002291.3 (MANE Select); 7 bases into the intron before coding-DNA position 5225, C replaced by T.
Molecular consequence: intron variant.
Genome position (GRCh38, 1-based): chr7:107,924,094, G>A on the plus strand (C>T on the coding strand, the complement: LAMB1 is on the minus strand). VCF-style: chr7-107924094-G-A. GRCh37 (hg19) VCF-style: chr7-107564539-G-A.
Identifiers: ClinVar variation 369575 (VCV000369575.17), dbSNP rs3213673, ClinGen allele CA4434790.
Genomic context (GRCh38, chr7:107,924,094, plus strand): 5'-CTTGAGCTTTATCTTCTAAGTATCTTTGATTGTCTTCATATTTTCTTTCTAAATCTGTGG[G>A]GAGATATATATATATAAAGTCTGAGCAATTTATACTATGATGATCTCAAGACAAAGTGAA-3'